The following is an entry in ClinVar:

ClinVar aggregate classification (germline): Likely benign. Review status: criteria provided, multiple submitters, no conflicts (2 of 4 stars). 3 submissions from 3 submitters: Likely benign (3). Last evaluated 2026-01-28.

Allele frequency attached by ClinVar (database versions not stated): gnomAD 0.00008 and 0.00011; TOPMed 0.00015; ExAC 0.00017; gnomAD exomes 0.00024; 1000 Genomes Project 30x 0.00078; 1000 Genomes Project 0.00080.
gnomAD v4.1: 133 of 1,614,196 alleles (0.0082%); highest among the groups gnomAD compares: East Asian, 0.053%; no homozygotes.

Submissions (3):

Labcorp Genetics (formerly Invitae), Labcorp
Classification: Likely benign. Last evaluated: 2026-01-28. Review status: criteria provided, single submitter. Criteria: Invitae Variant Classification Sherloc (09022015). Collection method: clinical testing. Allele origin: germline.

CeGaT Center for Human Genetics Tuebingen
Classification: Likely benign. Last evaluated: 2022-07-01. Review status: criteria provided, single submitter. Criteria: CeGaT Center For Human Genetics Tuebingen Variant Classification Criteria Version 2. Collection method: clinical testing. Allele origin: germline. Affected: yes. Observed: 1 variant allele.
Comment: VPS53: BP4, BP7

GeneDx
Classification: Likely benign. Last evaluated: 2019-09-26. Review status: criteria provided, single submitter. Criteria: GeneDx Variant Classification Process June 2021. Collection method: clinical testing. Allele origin: germline. Affected: yes.

NM_001128159.3(VPS53):c.1944C>T (p.Asn648=)

Gene: VPS53 (VPS53 subunit of GARP complex; minus strand). Cytogenetic location: 17p13.3.
Variant type: single nucleotide variant.
Coding change: c.1944C>T on transcript NM_001128159.3 (MANE Select); coding-DNA position 1944, C replaced by T.
Protein change: p.Asn648=; no amino-acid change (asparagine 648 retained).
Molecular consequence: synonymous variant.
Genome position (GRCh38, 1-based): chr17:537,099, G>A on the plus strand (C>T on the coding strand, the complement: VPS53 is on the minus strand). VCF-style: chr17-537099-G-A. GRCh37 (hg19) VCF-style: chr17-440339-G-A.
Other names: c.1944C>T, p.Asn648= (NM_001366253.2); c.1350C>T, p.Asn450= (NM_001366254.2); c.1857C>T, p.Asn619= (NM_018289.4).
Identifiers: ClinVar variation 753449 (VCV000753449.36), dbSNP rs202035474, ClinGen allele CA8261239.
Genomic context (GRCh38, chr17:537,099, plus strand): 5'-AACGCAGAACTGAGTGAAGTACTTGCGTGTGGAAGCCAGGTTGTCACGGATGATGGGGAC[G>A]TTCTGCTTGATGTGCAGAATGACAGAGGTGACGTAGGGGCTCTGGTCACCAACGTGCTCC-3'
Protein context (NP_001121631.1, residues 638-658): VTSVILHIKQ[Asn648=]VPIIRDNLAS